The following is an entry in ClinVar:

NM_000057.4(BLM):c.2405A>G (p.Gln802Arg)

Gene: BLM (BLM RecQ like helicase; plus strand). Cytogenetic location: 15q26.1.
Variant type: single nucleotide variant.
Coding change: c.2405A>G on transcript NM_000057.4 (MANE Select); coding-DNA position 2405, A replaced by G.
Protein change: p.Gln802Arg; replaces glutamine 802 with arginine.
Molecular consequence: missense variant.
Genome position (GRCh38, 1-based): chr15:90,769,230, A>G. VCF-style: chr15-90769230-A-G. GRCh37 (hg19) VCF-style: chr15-91312460-A-G.
Other names: c.2405A>G, p.Gln802Arg (NM_001287246.2, NM_001287247.2); c.1280A>G, p.Gln427Arg (NM_001287248.2); short protein forms Q427R, Q802R.
Identifiers: ClinVar variation 3480847 (VCV003480847.1).

ClinVar aggregate classification (germline): Uncertain significance (1 of 4 stars; one submission).

Conditions:
Hereditary cancer-predisposing syndrome. Also called: Tumor predisposition; Neoplastic Syndromes, Hereditary; Hereditary Cancer Syndrome; Hereditary neoplastic syndrome. Identifiers: Orphanet 140162, MedGen C0027672, MeSH D009386, MONDO:0015356.

Submission:

Ambry Genetics
Classification: Uncertain significance for Hereditary cancer-predisposing syndrome. Last evaluated: 2024-09-01. Review status: criteria provided, single submitter. Criteria: Ambry Variant Classification Scheme 2023. Collection method: clinical testing. Allele origin: germline.
Comment: The p.Q802R variant (also known as c.2405A>G), located in coding exon 10 of the BLM gene, results from an A to G substitution at nucleotide position 2405. The glutamine at codon 802 is replaced by arginine, an amino acid with highly similar properties. This amino acid position is conserved. In addition, the in silico prediction for this alteration is inconclusive. Based on the available evidence, the clinical significance of this variant remains unclear.